The following is an entry in ClinVar:

ClinVar aggregate classification (germline): Uncertain significance. Review status: criteria provided, multiple submitters, no conflicts (2 of 4 stars). 4 submissions from 4 submitters: Uncertain significance (4). Last evaluated 2025-05-21.

Conditions:
Isolated focal cortical dysplasia type II (FCORD2). Also called: CORTICAL DYSPLASIA OF TAYLOR; Focal cortical dysplasia type II. Identifiers: Orphanet 268994, MedGen C1846385, MONDO:0011818, OMIM 607341, HP:0032051.
Lymphangiomyomatosis (LAM). Also called: Lymphangioleiomyomatosis, somatic; Lymphangioleiomyomatosis. Identifiers: Orphanet 538, MedGen C0751674, MONDO:0011705, OMIM 606690.
Tuberous sclerosis 2 (TSC2). Identifiers: Orphanet 805, MedGen C1860707, MONDO:0013199, OMIM 613254.
Hereditary cancer-predisposing syndrome. Also called: Tumor predisposition; Neoplastic Syndromes, Hereditary; Hereditary Cancer Syndrome; Hereditary neoplastic syndrome. Identifiers: Orphanet 140162, MedGen C0027672, MeSH D009386, MONDO:0015356.

Allele frequency attached by ClinVar (database versions not stated): TOPMed below 0.00001.

Submissions (4):

Labcorp Genetics (formerly Invitae), Labcorp
Classification: Uncertain significance for Tuberous sclerosis 2. Last evaluated: 2025-05-21. Review status: criteria provided, single submitter. Criteria: Invitae Variant Classification Sherloc (09022015). Collection method: clinical testing. Allele origin: germline.
Comment: This sequence change replaces leucine, which is neutral and non-polar, with valine, which is neutral and non-polar, at codon 1765 of the TSC2 protein (p.Leu1765Val). This variant is not present in population databases (gnomAD no frequency). This variant has not been reported in the literature in individuals affected with TSC2-related conditions. ClinVar contains an entry for this variant (Variation ID: 406061). Invitae Evidence Modeling of protein sequence and biophysical properties (such as structural, functional, and spatial information, amino acid conservation, physicochemical variation, residue mobility, and thermodynamic stability) indicates that this missense variant is not expected to disrupt TSC2 protein function with a negative predictive value of 95%. In summary, the available evidence is currently insufficient to determine the role of this variant in disease. Therefore, it has been classified as a Variant of Uncertain Significance.

Ambry Genetics
Classification: Uncertain significance for Hereditary cancer-predisposing syndrome. Last evaluated: 2024-12-26. Review status: criteria provided, single submitter. Criteria: Ambry Variant Classification Scheme 2023. Collection method: clinical testing. Allele origin: germline.
Comment: The p.L1765V variant (also known as c.5293C>G), located in coding exon 41 of the TSC2 gene, results from a C to G substitution at nucleotide position 5293. The leucine at codon 1765 is replaced by valine, an amino acid with highly similar properties. This amino acid position is not well conserved in available vertebrate species. In addition, the in silico prediction for this alteration is inconclusive. Since supporting evidence is limited at this time, the clinical significance of this alteration remains unclear.

Fulgent Genetics
Classification: Uncertain significance for Lymphangiomyomatosis; Isolated focal cortical dysplasia type II; Tuberous sclerosis 2. Last evaluated: 2024-05-21. Review status: criteria provided, single submitter. Criteria: ACMG Guidelines, 2015. Collection method: clinical testing. Allele origin: germline.

Genome-Nilou Lab
Classification: Uncertain significance for Tuberous sclerosis 2. Last evaluated: 2021-11-07. Review status: criteria provided, single submitter. Criteria: ACMG Guidelines, 2015. Collection method: clinical testing. Allele origin: germline. Affected: no.

NM_000548.5(TSC2):c.5293C>G (p.Leu1765Val)

Gene: TSC2 (TSC complex subunit 2; plus strand). Cytogenetic location: 16p13.3.
Variant type: single nucleotide variant.
Coding change: c.5293C>G on transcript NM_000548.5 (MANE Select); coding-DNA position 5293, C replaced by G.
Protein change: p.Leu1765Val; replaces leucine 1765 with valine.
Molecular consequence: missense variant.
Genome position (GRCh38, 1-based): chr16:2,088,479, C>G. VCF-style: chr16-2088479-C-G. GRCh37 (hg19) VCF-style: chr16-2138480-C-G.
Other names: c.5092C>G, p.Leu1698Val (NM_001077183.3); c.5224C>G, p.Leu1742Val (NM_001114382.3); c.4984C>G, p.Leu1662Val (NM_001318827.2); c.4948C>G, p.Leu1650Val (NM_001318829.2); c.4561C>G, p.Leu1521Val (NM_001318831.2); c.5125C>G, p.Leu1709Val (NM_001318832.2); c.5095C>G, p.Leu1699Val (NM_001363528.2); c.5161C>G, p.Leu1721Val (NM_001370404.1); and 2 more; short protein forms L1765V, L1650V, L1718V, L1721V, L1742V, L1699V, L1662V, L1698V.
Identifiers: ClinVar variation 406061 (VCV000406061.17), dbSNP rs1060500954, ClinGen allele CA16615207.